The following is an entry in ClinVar:

NM_152468.5(TMC8):c.427C>A (p.Pro143Thr)

Gene: TMC8 (transmembrane channel like 8; plus strand). Cytogenetic location: 17q25.3.
Variant type: single nucleotide variant.
Coding change: c.427C>A on transcript NM_152468.5 (MANE Select); coding-DNA position 427, C replaced by A.
Protein change: p.Pro143Thr; replaces proline 143 with threonine.
Molecular consequence: missense variant.
Genome position (GRCh38, 1-based): chr17:78,132,487, C>A. VCF-style: chr17-78132487-C-A. GRCh37 (hg19) VCF-style: chr17-76128568-C-A.
Other names: short protein forms P143T.
Identifiers: ClinVar variation 961701 (VCV000961701.8), dbSNP rs1445609111, ClinGen allele CA401242133.

ClinVar aggregate classification (germline): Uncertain significance. Review status: criteria provided, multiple submitters, no conflicts (2 of 4 stars). 2 submissions from 2 submitters: Uncertain significance (2). Last evaluated 2025-03-30.

Conditions:
Inborn genetic diseases. Identifiers: MedGen C0950123, MeSH D030342.
Epidermodysplasia verruciformis. Identifiers: Orphanet 302, MedGen C0014522, MONDO:0009176.

Allele frequency attached by ClinVar (database versions not stated): gnomAD exomes 0.00001; gnomAD 0.00001 and 0.00002; TOPMed 0.00001.

Submissions (2):

Ambry Genetics
Classification: Uncertain significance for Inborn genetic diseases. Last evaluated: 2025-03-30. Review status: criteria provided, single submitter. Criteria: Ambry Variant Classification Scheme 2023. Collection method: clinical testing. Allele origin: germline.

Labcorp Genetics (formerly Invitae), Labcorp
Classification: Uncertain significance for Epidermodysplasia verruciformis. Last evaluated: 2022-01-02. Review status: criteria provided, single submitter. Criteria: Invitae Variant Classification Sherloc (09022015). Collection method: clinical testing. Allele origin: germline.
Comment: This sequence change replaces proline, which is neutral and non-polar, with threonine, which is neutral and polar, at codon 143 of the TMC8 protein (p.Pro143Thr). This variant is present in population databases (no rsID available, gnomAD 0.003%). This variant has not been reported in the literature in individuals affected with TMC8-related conditions. ClinVar contains an entry for this variant (Variation ID: 961701). Algorithms developed to predict the effect of missense changes on protein structure and function output the following: SIFT: "Tolerated"; PolyPhen-2: "Benign"; Align-GVGD: "Class C0". The threonine amino acid residue is found in multiple mammalian species, which suggests that this missense change does not adversely affect protein function. In summary, the available evidence is currently insufficient to determine the role of this variant in disease. Therefore, it has been classified as a Variant of Uncertain Significance.